The following is an entry in ClinVar:

ClinVar aggregate classification (germline): Pathogenic (1 of 4 stars; one submission).

Conditions:
Mitochondrial trifunctional protein deficiency. Identifiers: Orphanet 746, MedGen C1969443, MONDO:0012172.
Long chain 3-hydroxyacyl-CoA dehydrogenase deficiency. Also called: Deficiency of long-chain 3-hydroxyacyl-coenzyme A dehydrogenase; LCHAD Deficiency. Identifiers: Orphanet 5, MedGen C3711645, MONDO:0012173, OMIM 609016.

Submission:

Labcorp Genetics (formerly Invitae), Labcorp
Classification: Pathogenic for Mitochondrial trifunctional protein deficiency; Long chain 3-hydroxyacyl-CoA dehydrogenase deficiency. Last evaluated: 2021-07-20. Review status: criteria provided, single submitter. Criteria: Invitae Variant Classification Sherloc (09022015). Collection method: clinical testing. Allele origin: germline.
Comment: This sequence change creates a premature translational stop signal (p.Phe98Leufs*10) in the HADHA gene. It is expected to result in an absent or disrupted protein product. Loss-of-function variants in HADHA are known to be pathogenic (PMID: 7738175, 21103935, 21549624, 22459206). This variant is not present in population databases (ExAC no frequency). For these reasons, this variant has been classified as Pathogenic. ClinVar contains an entry for this variant (Variation ID: 1071670). This variant has not been reported in the literature in individuals affected with HADHA-related conditions.

Literature cited by the submitters: PubMed 7738175; PubMed 21103935; PubMed 21549624; PubMed 22459206.

NM_000182.5(HADHA):c.294del (p.Phe98fs)

Gene: HADHA (hydroxyacyl-CoA dehydrogenase trifunctional multienzyme complex subunit alpha; minus strand). Cytogenetic location: 2p23.3.
Variant type: Deletion.
Coding change: c.294del on transcript NM_000182.5 (MANE Select); coding-DNA position 294, one base deleted (T; older notation c.294delT).
Protein change: p.Phe98fs; shifts the reading frame from phenylalanine 98.
Molecular consequence: frameshift variant.
Genome position (GRCh38, 1-based): chr2:26,236,875, A deleted on the plus strand (T on the coding strand, the reverse complement: HADHA is on the minus strand); the first of 3 consecutive A bases (chr2:26,236,875-26,236,877); deleting any one gives the same sequence. VCF-style (leftmost placement, unchanged base first): chr2-26236874-TA-T. GRCh37 (hg19) VCF-style: chr2-26459742-TA-T.
Other names: short protein forms F98fs.
Identifiers: ClinVar variation 1071670 (VCV001071670.7), dbSNP rs2147784383, ClinGen allele CA2499215824.